The following is an entry in ClinVar:

ClinVar aggregate classification (germline): Uncertain significance. Review status: criteria provided, multiple submitters, no conflicts (2 of 4 stars). 2 submissions from 2 submitters: Uncertain significance (2). Last evaluated 2022-10-16.

Conditions:
Hereditary cancer-predisposing syndrome. Also called: Neoplastic Syndromes, Hereditary; Hereditary Cancer Syndrome; Tumor predisposition; Hereditary neoplastic syndrome. Identifiers: Orphanet 140162, MedGen C0027672, MeSH D009386, MONDO:0015356.
Familial cancer of breast. Also called: Hereditary breast cancer; hereditary breast carcinoma; BREAST CANCER, FAMILIAL. Identifiers: Orphanet 227535, MedGen C0346153, MONDO:0016419, OMIM 114480. Disease mechanism: loss of function.

Submissions (2):

Labcorp Genetics (formerly Invitae), Labcorp
Classification: Uncertain significance for Familial cancer of breast. Last evaluated: 2022-10-16. Review status: criteria provided, single submitter. Criteria: Invitae Variant Classification Sherloc (09022015). Collection method: clinical testing. Allele origin: germline.
Comment: This sequence change replaces proline, which is neutral and non-polar, with alanine, which is neutral and non-polar, at codon 529 of the PALB2 protein (p.Pro529Ala). In summary, the available evidence is currently insufficient to determine the role of this variant in disease. Therefore, it has been classified as a Variant of Uncertain Significance. Advanced modeling of protein sequence and biophysical properties (such as structural, functional, and spatial information, amino acid conservation, physicochemical variation, residue mobility, and thermodynamic stability) performed at Invitae indicates that this missense variant is not expected to disrupt PALB2 protein function. ClinVar contains an entry for this variant (Variation ID: 583344). This variant has not been reported in the literature in individuals affected with PALB2-related conditions. This variant is not present in population databases (gnomAD no frequency).

Ambry Genetics
Classification: Uncertain significance for Hereditary cancer-predisposing syndrome. Last evaluated: 2021-12-18. Review status: criteria provided, single submitter. Criteria: Ambry Variant Classification Scheme 2023. Collection method: clinical testing. Allele origin: germline.
Comment: The p.P529A variant (also known as c.1585C>G), located in coding exon 4 of the PALB2 gene, results from a C to G substitution at nucleotide position 1585. The proline at codon 529 is replaced by alanine, an amino acid with highly similar properties. This amino acid position is conserved. In addition, this alteration is predicted to be tolerated by in silico analysis. Since supporting evidence is limited at this time, the clinical significance of this alteration remains unclear.

NM_024675.4(PALB2):c.1585C>G (p.Pro529Ala)

Gene: PALB2 (partner and localizer of BRCA2; minus strand). Cytogenetic location: 16p12.2.
Variant type: single nucleotide variant.
Coding change: c.1585C>G on transcript NM_024675.4 (MANE Select); coding-DNA position 1585, C replaced by G.
Protein change: p.Pro529Ala; replaces proline 529 with alanine.
Molecular consequence: missense variant.
Genome position (GRCh38, 1-based): chr16:23,634,961, G>C on the plus strand (C>G on the coding strand, the complement: PALB2 is on the minus strand). VCF-style: chr16-23634961-G-C. GRCh37 (hg19) VCF-style: chr16-23646282-G-C.
Other names: short protein forms P529A.
Identifiers: ClinVar variation 583344 (VCV000583344.12), dbSNP rs560839514, ClinGen allele CA395130611.